The following is an entry in ClinVar:

NM_000343.4(SLC5A1):c.*771C>T

Gene: SLC5A1 (solute carrier family 5 member 1; plus strand). Cytogenetic location: 22q12.3.
Variant type: single nucleotide variant.
Coding change: c.*771C>T on transcript NM_000343.4 (MANE Select); 771 bases downstream of the stop codon, C replaced by T.
Molecular consequence: 3 prime UTR variant.
Genome position (GRCh38, 1-based): chr22:32,110,984, C>T. VCF-style: chr22-32110984-C-T. GRCh37 (hg19) VCF-style: chr22-32506971-C-T.
Other names: c.*771C>T (NM_001256314.2).
Identifiers: ClinVar variation 341278 (VCV000341278.5), dbSNP rs550005508, ClinGen allele CA10651108.

ClinVar aggregate classification (germline): Benign (1 of 4 stars; one submission).

Conditions:
Congenital glucose-galactose malabsorption (GGM). Also called: MONOSACCHARIDE MALABSORPTION; DIARRHEA 16. Identifiers: Orphanet 35710, MedGen C0268186, MONDO:0011731, OMIM 606824.

Allele frequency attached by ClinVar (database versions not stated): gnomAD 0.00003; TOPMed 0.00010; 1000 Genomes Project 30x 0.00765; 1000 Genomes Project 0.00779.

Submission:

Illumina Laboratory Services, Illumina
Classification: Benign for Congenital glucose-galactose malabsorption. Last evaluated: 2018-01-13. Review status: criteria provided, single submitter. Criteria: ICSL Variant Classification Criteria 13 December 2019. Collection method: clinical testing. Allele origin: germline.
Comment: This variant was observed in the ICSL laboratory as part of a predisposition screen in an ostensibly healthy population. It had not been previously curated by ICSL or reported in the Human Gene Mutation Database (HGMD: prior to June 1st, 2018), and was therefore a candidate for classification through an automated scoring system. Utilizing variant allele frequency, disease prevalence and penetrance estimates, and inheritance mode, an automated score was calculated to assess if this variant is too frequent to cause the disease. Based on the score and internal cut-off values, a variant classified as benign is not then subjected to further curation. The score for this variant resulted in a classification of benign for this disease.